The following is an entry in ClinVar:

NM_001098426.2(SMARCD2):c.444+1G>A

Gene: SMARCD2 (SWI/SNF related BAF chromatin remodeling complex subunit D2; minus strand). Cytogenetic location: 17q23.3.
Variant type: single nucleotide variant.
Coding change: c.444+1G>A on transcript NM_001098426.2 (MANE Select); the canonical splice donor site of the intron after coding-DNA position 444, G replaced by A.
Molecular consequence: splice donor variant.
Genome position (GRCh38, 1-based): chr17:63,837,194, C>T on the plus strand (G>A on the coding strand, the complement: SMARCD2 is on the minus strand). VCF-style: chr17-63837194-C-T. GRCh37 (hg19) VCF-style: chr17-61914554-C-T.
Other names: c.219+1G>A (NM_001330439.1); c.300+1G>A (NM_001330440.2).
Identifiers: ClinVar variation 3650913 (VCV003650913.2).

ClinVar aggregate classification (germline): Likely pathogenic (1 of 4 stars; one submission).

Submission:

Labcorp Genetics (formerly Invitae), Labcorp
Classification: Likely pathogenic. Last evaluated: 2024-04-25. Review status: criteria provided, single submitter. Criteria: Invitae Variant Classification Sherloc (09022015). Collection method: clinical testing. Allele origin: germline.
Comment: This sequence change affects a donor splice site in intron 3 of the SMARCD2 gene. It is expected to disrupt RNA splicing. Variants that disrupt the donor or acceptor splice site typically lead to a loss of protein function (PMID: 16199547), and loss-of-function variants in SMARCD2 are known to be pathogenic (PMID: 28369036). This variant is not present in population databases (gnomAD no frequency). This variant has not been reported in the literature in individuals affected with SMARCD2-related conditions. Algorithms developed to predict the effect of sequence changes on RNA splicing suggest that this variant may disrupt the consensus splice site. In summary, the currently available evidence indicates that the variant is pathogenic, but additional data are needed to prove that conclusively. Therefore, this variant has been classified as Likely Pathogenic.

Literature cited by the submitters: PubMed 16199547; PubMed 28369036.